The following is an entry in ClinVar:

ClinVar aggregate classification (germline): Uncertain significance. Review status: criteria provided, multiple submitters, no conflicts (2 of 4 stars). 3 submissions from 3 submitters: Uncertain significance (3). Last evaluated 2025-06-17.

Conditions:
Charcot-Marie-Tooth disease type 2. Also called: Charcot-Marie-Tooth type 2. Identifiers: Orphanet 64746, MedGen C0270914, MONDO:0018993.

Allele frequency attached by ClinVar (database versions not stated): ExAC 0.00003.
gnomAD v4.1: 25 of 1,614,110 alleles (0.0015%); highest among the groups gnomAD compares: Non-Finnish European, 0.002%; no homozygotes.

Submissions (3):

Ambry Genetics
Classification: Uncertain significance. Last evaluated: 2025-06-17. Review status: criteria provided, single submitter. Criteria: Ambry Variant Classification Scheme 2023. Collection method: clinical testing. Allele origin: germline.
Comment: The p.S1483L variant (also known as c.4448C>T), located in coding exon 40 of the KIF1B gene, results from a C to T substitution at nucleotide position 4448. The serine at codon 1483 is replaced by leucine, an amino acid with dissimilar properties. This amino acid position is well conserved in available vertebrate species. In addition, this alteration is predicted to be tolerated by in silico analysis. The evidence for this gene-disease relationship is limited; therefore, the clinical significance of this alteration is unclear.

Labcorp Genetics (formerly Invitae), Labcorp
Classification: Uncertain significance for Charcot-Marie-Tooth disease type 2. Last evaluated: 2024-09-12. Review status: criteria provided, single submitter. Criteria: Invitae Variant Classification Sherloc (09022015). Collection method: clinical testing. Allele origin: germline.
Comment: This sequence change replaces serine, which is neutral and polar, with leucine, which is neutral and non-polar, at codon 1483 of the KIF1B protein (p.Ser1483Leu). This variant is present in population databases (rs781051649, gnomAD 0.005%). This variant has not been reported in the literature in individuals affected with KIF1B-related conditions. ClinVar contains an entry for this variant (Variation ID: 1162833). An algorithm developed to predict the effect of missense changes on protein structure and function (PolyPhen-2) suggests that this variant is likely to be tolerated. In summary, the available evidence is currently insufficient to determine the role of this variant in disease. Therefore, it has been classified as a Variant of Uncertain Significance.

Mayo Clinic Laboratories, Mayo Clinic
Classification: Uncertain significance. Last evaluated: 2021-10-14. Review status: criteria provided, single submitter. Criteria: ACMG Guidelines, 2015. Collection method: clinical testing. Allele origin: germline.

NM_001365951.3(KIF1B):c.4586C>T (p.Ser1529Leu)

Gene: KIF1B (kinesin family member 1B; plus strand). Cytogenetic location: 1p36.22.
Variant type: single nucleotide variant.
Coding change: c.4586C>T on transcript NM_001365951.3 (MANE Select); coding-DNA position 4586, C replaced by T.
Protein change: p.Ser1529Leu; replaces serine 1529 with leucine.
Molecular consequence: missense variant.
Genome position (GRCh38, 1-based): chr1:10,365,482, C>T. VCF-style: chr1-10365482-C-T. GRCh37 (hg19) VCF-style: chr1-10425540-C-T.
Other names: c.4586C>T, p.Ser1529Leu (NM_001365952.1); c.4448C>T, p.Ser1483Leu (NM_015074.3); short protein forms S1483L, S1529L.
Identifiers: ClinVar variation 1162833 (VCV001162833.18), dbSNP rs781051649, ClinGen allele CA582130.